The following is an entry in ClinVar:

NM_022455.5(NSD1):c.4994C>T (p.Pro1665Leu)

Gene: NSD1 (nuclear receptor binding SET domain protein 1; plus strand). Cytogenetic location: 5q35.3.
Variant type: single nucleotide variant.
Coding change: c.4994C>T on transcript NM_022455.5 (MANE Select); coding-DNA position 4994, C replaced by T.
Protein change: p.Pro1665Leu; replaces proline 1665 with leucine.
Molecular consequence: missense variant.
Genome position (GRCh38, 1-based): chr5:177,260,016, C>T. VCF-style: chr5-177260016-C-T. GRCh37 (hg19) VCF-style: chr5-176687017-C-T.
Other names: c.4121C>T, p.Pro1374Leu (NM_001365684.2, NM_001409308.1, NM_001409309.1 and 1 more transcripts); c.4994C>T, p.Pro1665Leu (NM_001409301.1, NM_001409302.1, NM_001409303.1); c.4574C>T, p.Pro1525Leu (NM_001409304.1); c.4241C>T, p.Pro1414Leu (NM_001409305.1); c.4232C>T, p.Pro1411Leu (NM_001409306.1, NM_001409307.1); short protein forms P1396L, P1665L, P1374L, P1411L, P1414L, P1525L.
Identifiers: ClinVar variation 1410174 (VCV001410174.6), dbSNP rs2149917734, ClinGen allele CA362302623.

ClinVar aggregate classification (germline): Pathogenic (1 of 4 stars; one submission).

Submission:

Labcorp Genetics (formerly Invitae), Labcorp
Classification: Pathogenic. Last evaluated: 2021-08-23. Review status: criteria provided, single submitter. Criteria: Invitae Variant Classification Sherloc (09022015). Collection method: clinical testing. Allele origin: germline.
Comment: This sequence change replaces proline with leucine at codon 1665 of the NSD1 protein (p.Pro1665Leu). The proline residue is moderately conserved and there is a moderate physicochemical difference between proline and leucine. For these reasons, this variant has been classified as Pathogenic. Advanced modeling of protein sequence and biophysical properties (such as structural, functional, and spatial information, amino acid conservation, physicochemical variation, residue mobility, and thermodynamic stability) performed at Invitae indicates that this missense variant is expected to disrupt NSD1 protein function. This missense change has been observed in individual(s) with Sotos syndrome (Invitae). In at least one individual the variant was observed to be de novo. This variant is not present in population databases (ExAC no frequency).